The following is an entry in ClinVar:

ClinVar aggregate classification (germline): Uncertain significance (1 of 4 stars; one submission).

Conditions:
POLD1-related polyposis and colorectal cancer syndrome (CRCS10). Also called: Colorectal cancer 10; COLORECTAL CANCER, SUSCEPTIBILITY TO, ON CHROMOSOME 19q; Colorectal cancer, susceptibility to, 10. Identifiers: Orphanet 220460, MedGen C2675481, MONDO:0012953, OMIM 612591.

Submission:

Labcorp Genetics (formerly Invitae), Labcorp
Classification: Uncertain significance for POLD1-related polyposis and colorectal cancer syndrome. Last evaluated: 2023-05-01. Review status: criteria provided, single submitter. Criteria: Invitae Variant Classification Sherloc (09022015). Collection method: clinical testing. Allele origin: unknown.
Comment: In summary, the available evidence is currently insufficient to determine the role of this variant in disease. Therefore, it has been classified as a Variant of Uncertain Significance. This variant has not been reported in the literature in individuals affected with POLD1-related conditions. This variant results in a copy number gain of the genomic region encompassing exon(s) 4-10 of the POLD1 gene. While the exact position of this variant cannot be determined from the data, sub-genic copy number gains are generally in tandem (PMID: 25640679). This variant is predicted to be out-of-frame, and may result in an absent or disrupted protein product. Missense variants that disrupt the 3'-5' exonuclease (proof-reading) activity of the POLD1 protein are associated with PPAP (polymerase proofreading‚Äìassociated polyposis) (PMID: 23263490, 23447401). However loss-of-function variants, which result in an absent or severely disrupted POLD1 protein, and missense variants outside the exonuclease domain, are unlikely to be associated with polyposis or colon cancer.

Literature cited by the submitters: PubMed 25640679; PubMed 23263490; PubMed 23447401.

NC_000019.9:g.(?_50905025)_(50906864_?)dup

Gene: POLD1 (DNA polymerase delta 1, catalytic subunit; plus strand). Cytogenetic location: 19q13.33.
Variant type: Duplication.
Identifiers: ClinVar variation 3248475 (VCV003248475.1).